The following is an entry in ClinVar:

ClinVar aggregate classification (germline): Uncertain significance (1 of 4 stars; one submission).

Conditions:
Cardiovascular phenotype. Identifiers: MedGen CN230736.

Allele frequency attached by ClinVar (database versions not stated): ExAC 0.00001; gnomAD 0.00001; TOPMed 0.00001; gnomAD exomes 0.00002.

Submission:

Ambry Genetics
Classification: Uncertain significance for Cardiovascular phenotype. Last evaluated: 2025-02-27. Review status: criteria provided, single submitter. Criteria: Ambry Variant Classification Scheme 2023. Collection method: clinical testing. Allele origin: germline.
Comment: The p.G2120D variant (also known as c.6359G>A), located in coding exon 17 of the TNXB gene, results from a G to A substitution at nucleotide position 6359. The glycine at codon 2120 is replaced by aspartic acid, an amino acid with similar properties. This amino acid position is conserved. In addition, this alteration is predicted to be tolerated by in silico analysis. Since supporting evidence is limited at this time, the clinical significance of this alteration remains unclear.

NM_001365276.2(TNXB):c.6359G>A (p.Gly2120Asp)

Gene: TNXB (tenascin XB; minus strand). Cytogenetic location: 6p21.33.
Variant type: single nucleotide variant.
Coding change: c.6359G>A on transcript NM_001365276.2 (MANE Select); coding-DNA position 6359, G replaced by A.
Protein change: p.Gly2120Asp; replaces glycine 2120 with aspartic acid.
Molecular consequence: missense variant.
Genome position (GRCh38, 1-based): chr6:32,067,846, C>T on the plus strand (G>A on the coding strand, the complement: TNXB is on the minus strand). VCF-style: chr6-32067846-C-T. GRCh37 (hg19) VCF-style: chr6-32035623-C-T.
Other names: c.6359G>A, p.Gly2120Asp (NM_019105.8); short protein forms G2120D.
Identifiers: ClinVar variation 1753030 (VCV001753030.3), dbSNP rs758158276, ClinGen allele CA3734456.